The following is an entry in ClinVar:

ClinVar aggregate classification (germline): Uncertain significance. Review status: criteria provided, multiple submitters, no conflicts (2 of 4 stars). 2 submissions from 2 submitters: Uncertain significance (2). Last evaluated 2026-07-29.

Conditions:
Tuberous sclerosis 2 (TSC2). Identifiers: Orphanet 805, MedGen C1860707, MONDO:0013199, OMIM 613254.
Hereditary cancer-predisposing syndrome. Also called: Tumor predisposition; Hereditary Cancer Syndrome; Hereditary neoplastic syndrome; Neoplastic Syndromes, Hereditary. Identifiers: Orphanet 140162, MedGen C0027672, MeSH D009386, MONDO:0015356.

Submissions (2):

Ambry Genetics
Classification: Uncertain significance for Hereditary cancer-predisposing syndrome. Last evaluated: 2026-07-29. Review status: criteria provided, single submitter. Criteria: Ambry Variant Classification Scheme 2023. Collection method: clinical testing. Allele origin: germline.
Comment: The p.V868A variant (also known as c.2603T>C), located in coding exon 22 of the TSC2 gene, results from a T to C substitution at nucleotide position 2603. The valine at codon 868 is replaced by alanine, an amino acid with similar properties. This amino acid position is conserved. In addition, this alteration is predicted to be deleterious by in silico analysis. Based on the available evidence, the clinical significance of this variant remains unclear.

Labcorp Genetics (formerly Invitae), Labcorp
Classification: Uncertain significance for Tuberous sclerosis 2. Last evaluated: 2020-03-25. Review status: criteria provided, single submitter. Criteria: Invitae Variant Classification Sherloc (09022015). Collection method: clinical testing. Allele origin: germline.
Comment: In summary, the available evidence is currently insufficient to determine the role of this variant in disease. Therefore, it has been classified as a Variant of Uncertain Significance. Algorithms developed to predict the effect of missense changes on protein structure and function are either unavailable or do not agree on the potential impact of this missense change (SIFT: "Deleterious"; PolyPhen-2: "Probably Damaging"; Align-GVGD: "Class C0"). This variant has not been reported in the literature in individuals with TSC2-related conditions. This variant is not present in population databases (ExAC no frequency). This sequence change replaces valine with alanine at codon 868 of the TSC2 protein (p.Val868Ala). The valine residue is highly conserved and there is a small physicochemical difference between valine and alanine.

NM_000548.5(TSC2):c.2603T>C (p.Val868Ala)

Gene: TSC2 (TSC complex subunit 2; plus strand). Cytogenetic location: 16p13.3.
Variant type: single nucleotide variant.
Coding change: c.2603T>C on transcript NM_000548.5 (MANE Select); coding-DNA position 2603, T replaced by C.
Protein change: p.Val868Ala; replaces valine 868 with alanine.
Molecular consequence: missense variant.
Genome position (GRCh38, 1-based): chr16:2,075,856, T>C. VCF-style: chr16-2075856-T-C. GRCh37 (hg19) VCF-style: chr16-2125857-T-C.
Other names: c.2603T>C, p.Val868Ala (NM_001077183.3, NM_001114382.3, NM_001363528.2 and 3 more transcripts); c.2492T>C, p.Val831Ala (NM_001318827.2); c.2456T>C, p.Val819Ala (NM_001318829.2); c.2003T>C, p.Val668Ala (NM_001318831.2); c.2636T>C, p.Val879Ala (NM_001318832.2); c.2603T>C (NM_000548.3); short protein forms V831A, V879A, V819A, V668A, V868A.
Identifiers: ClinVar variation 1037821 (VCV001037821.10), dbSNP rs2089267892, ClinGen allele CA394278418.
Genomic context (GRCh38, chr16:2,075,856, plus strand): 5'-CAGCTCTGGCCAGGCTGCCGCACCTCTACAGGAACTTTGCCGCGGAGCAGTATGCCAGTG[T>C]GTTCGCCATCTCCCTGCCGTACACCAACCCCTCCAAGTGAGTGGTCGCCCCAGGCCCTGT-3'
Protein context (NP_000539.2, residues 858-878): RNFAAEQYAS[Val868Ala]FAISLPYTNP